The following is an entry in ClinVar:

ClinVar aggregate classification (germline): Benign. Review status: criteria provided, multiple submitters, no conflicts (2 of 4 stars). 8 submissions from 8 submitters: Benign (7). 1 of the submissions does not count toward it. Last evaluated 2026-02-04.

Conditions:
MHC class II deficiency. Also called: Bare lymphocyte syndrome 2; BLS, TYPE II. Identifiers: Orphanet 572, MedGen C5447452, MONDO:0008855.

Allele frequency attached by ClinVar (database versions not stated): 1000 Genomes Project 30x 0.03873; 1000 Genomes Project 0.03974; TOPMed 0.06074; gnomAD 0.06147 and 0.06266; ESP Exome Variant Server 0.07091; ExAC 0.07580.
gnomAD v4.1: 121,918 of 1,612,930 alleles (7.6%); highest among the groups gnomAD compares: Middle Eastern, 9.7%; 5,059 homozygotes.

Submissions (8):

Labcorp Genetics (formerly Invitae), Labcorp
Classification: Benign for MHC class II deficiency. Last evaluated: 2026-02-04. Review status: criteria provided, single submitter. Criteria: Invitae Variant Classification Sherloc (09022015). Collection method: clinical testing. Allele origin: germline.

Women's Health and Genetics/Laboratory Corporation of America, LabCorp
Classification: Benign. Last evaluated: 2026-01-21. Review status: criteria provided, single submitter. Criteria: LabCorp Variant Classification Summary - May 2015. Collection method: clinical testing. Allele origin: germline.

Genome-Nilou Lab
Classification: Benign for MHC class II deficiency 1. Last evaluated: 2021-07-10. Review status: criteria provided, single submitter. Criteria: ACMG Guidelines, 2015. Collection method: clinical testing. Allele origin: germline. Affected: no.

GeneDx
Classification: Benign. Last evaluated: 2018-08-27. Review status: criteria provided, single submitter. Criteria: GeneDx Variant Classification Process June 2021. Collection method: clinical testing. Allele origin: germline. Affected: yes.

Illumina Laboratory Services, Illumina
Classification: Benign for MHC class II deficiency 1. Last evaluated: 2018-01-12. Review status: criteria provided, single submitter. Criteria: ICSL Variant Classification Criteria 13 December 2019. Collection method: clinical testing. Allele origin: germline.
Comment: This variant was observed in the ICSL laboratory as part of a predisposition screen in an ostensibly healthy population. It had not been previously curated by ICSL or reported in the Human Gene Mutation Database (HGMD: prior to June 1st, 2018), and was therefore a candidate for classification through an automated scoring system. Utilizing variant allele frequency, disease prevalence and penetrance estimates, and inheritance mode, an automated score was calculated to assess if this variant is too frequent to cause the disease. Based on the score and internal cut-off values, a variant classified as benign is not then subjected to further curation. The score for this variant resulted in a classification of benign for this disease.

Laboratory for Molecular Medicine, Mass General Brigham Personalized Medicine
Classification: Benign. Last evaluated: 2016-03-28. Review status: criteria provided, single submitter. Criteria: LMM Criteria. Collection method: clinical testing. Allele origin: germline.
Comment: Variant identified in a genome or exome case(s) and assessed due to predicted null impact of the variant or pathogenic assertions in the literature or databases. Disclaimer: This variant has not undergone full assessment. The following are preliminary notes: Frequency

Breakthrough Genomics
Classification: Benign. Review status: criteria provided, single submitter. Criteria: ACMG Guidelines, 2015. Collection method: not provided. Allele origin: germline. Inheritance: Autosomal recessive inheritance. Affected: yes.

Natera, Inc.
Classification: Benign for Bare lymphocyte syndrome type II. Last evaluated: 2020-09-16. Review status: no assertion criteria provided. Collection method: clinical testing. Allele origin: germline. Not counted in ClinVar's aggregate classification.

NM_000246.4(CIITA):c.2565G>A (p.Ala855=)

Gene: CIITA (class II major histocompatibility complex transactivator; plus strand). Cytogenetic location: 16p13.13.
Variant type: single nucleotide variant.
Coding change: c.2565G>A on transcript NM_000246.4 (MANE Select); coding-DNA position 2565, G replaced by A.
Protein change: p.Ala855=; no amino-acid change (alanine 855 retained).
Molecular consequence: synonymous variant. On other transcripts: intron variant (1).
Genome position (GRCh38, 1-based): chr16:10,908,057, G>A. VCF-style: chr16-10908057-G-A. GRCh37 (hg19) VCF-style: chr16-11001914-G-A.
Other names: c.2568G>A, p.Ala856= (NM_001286402.1, NM_001379332.1); c.2421G>A, p.Ala807= (NM_001379330.1); c.2418G>A, p.Ala806= (NM_001379331.1); c.2565G>A, p.Ala855= (NM_001379333.1); c.2496G>A, p.Ala832= (NM_001379334.1); c.860-926G>A (NM_001286403.2).
Identifiers: ClinVar variation 317714 (VCV000317714.24), dbSNP rs2229321, ClinGen allele CA7900408.